The following is an entry in ClinVar:

NM_005862.3(STAG1):c.3750_3751inv (p.Asp1250_Ser1251delinsGluThr)

Gene: STAG1 (STAG1 cohesin complex component; minus strand). Cytogenetic location: 3q22.3.
Variant type: Inversion.
Coding change: c.3750_3751inv on transcript NM_005862.3 (MANE Select).
Protein change: p.Asp1250_Ser1251delinsGluThr.
Molecular consequence: missense variant.
Genome position: GRCh38 VCF-style: chr3-136338372-AA-TT. GRCh37 (hg19) VCF-style: chr3-136057214-AA-TT.
Identifiers: ClinVar variation 2869200 (VCV002869200.3), ClinGen allele CA2739278996.

ClinVar aggregate classification (germline): Uncertain significance (1 of 4 stars; one submission).

Submission:

Labcorp Genetics (formerly Invitae), Labcorp
Classification: Uncertain significance. Last evaluated: 2025-02-24. Review status: criteria provided, single submitter. Criteria: Invitae Variant Classification Sherloc (09022015). Collection method: clinical testing. Allele origin: germline.
Comment: This variant, c.3750_3751delinsAA, is a complex sequence change that results in the deletion of 2 and insertion of 2 amino acid(s) in the STAG1 protein (p.Asp1250_Ser1251delinsGluThr). Information on the frequency of this variant in the gnomAD database is not available, as this variant may be reported differently in the database. This variant has not been reported in the literature in individuals affected with STAG1-related conditions. ClinVar contains an entry for this variant (Variation ID: 2869200). Experimental studies and prediction algorithms are not available or were not evaluated, and the functional significance of this variant is currently unknown. In summary, the available evidence is currently insufficient to determine the role of this variant in disease. Therefore, it has been classified as a Variant of Uncertain Significance.